The following is an entry in ClinVar:

ClinVar aggregate classification (germline): Uncertain significance (1 of 4 stars; one submission).

Submission:

Labcorp Genetics (formerly Invitae), Labcorp
Classification: Uncertain significance. Last evaluated: 2022-09-06. Review status: criteria provided, single submitter. Criteria: Invitae Variant Classification Sherloc (09022015). Collection method: clinical testing. Allele origin: germline.
Comment: In summary, the available evidence is currently insufficient to determine the role of this variant in disease. Therefore, it has been classified as a Variant of Uncertain Significance. Algorithms developed to predict the effect of missense changes on protein structure and function are either unavailable or do not agree on the potential impact of this missense change (SIFT: "Tolerated"; PolyPhen-2: "Possibly Damaging"; Align-GVGD: "Class C0"). ClinVar contains an entry for this variant (Variation ID: 1470040). This variant has not been reported in the literature in individuals affected with VAC14-related conditions. This variant is not present in population databases (gnomAD no frequency). This sequence change replaces serine, which is neutral and polar, with proline, which is neutral and non-polar, at codon 517 of the VAC14 protein (p.Ser517Pro).

NM_018052.5(VAC14):c.1549T>C (p.Ser517Pro)

Gene: VAC14 (VAC14 component of PIKFYVE complex; minus strand). Cytogenetic location: 16q22.1.
Variant type: single nucleotide variant.
Coding change: c.1549T>C on transcript NM_018052.5 (MANE Select); coding-DNA position 1549, T replaced by C.
Protein change: p.Ser517Pro; replaces serine 517 with proline.
Molecular consequence: missense variant.
Genome position (GRCh38, 1-based): chr16:70,731,607, A>G on the plus strand (T>C on the coding strand, the complement: VAC14 is on the minus strand). VCF-style: chr16-70731607-A-G. GRCh37 (hg19) VCF-style: chr16-70765510-A-G.
Other names: c.847T>C, p.Ser283Pro (NM_001351157.2); short protein forms S283P, S517P.
Identifiers: ClinVar variation 1470040 (VCV001470040.6), dbSNP rs2143002293, ClinGen allele CA396590392.
Genomic context (GRCh38, chr16:70,731,607, plus strand): 5'-TCTTGAGAAGGTTGATCATGAACTTATAAAAGTAAGAATTCATGGTGGGAGTTGAAGGAG[A>G]ACATTCTAAGCCTTTGGTACCTGTAGAGAAAGGGATAGAGCCAGCATTTATTCTGATTAT-3'
Protein context (NP_060522.3, residues 507-527): NTSGTKGLEC[Ser517Pro]PSTPTMNSYF